The following is an entry in ClinVar:

NM_001768.7(CD8A):c.370T>A (p.Tyr124Asn)

Gene: CD8A (CD8 subunit alpha; minus strand). Cytogenetic location: 2p11.2.
Variant type: single nucleotide variant.
Coding change: c.370T>A on transcript NM_001768.7 (MANE Select); coding-DNA position 370, T replaced by A.
Protein change: p.Tyr124Asn; replaces tyrosine 124 with asparagine.
Molecular consequence: missense variant. On other transcripts: non-coding transcript variant (3).
Genome position (GRCh38, 1-based): chr2:86,790,361, A>T on the plus strand (T>A on the coding strand, the complement: CD8A is on the minus strand). VCF-style: chr2-86790361-A-T. GRCh37 (hg19) VCF-style: chr2-87017484-A-T.
Other names: c.370T>A, p.Tyr124Asn (NM_001145873.1, NM_001382698.1, NM_171827.4); short protein forms Y124N.
Identifiers: ClinVar variation 1057353 (VCV001057353.9), dbSNP rs904075671, ClinGen allele CA51407909.
Genomic context (GRCh38, chr2:86,790,361, plus strand): 5'-AGAGGTGCCGCAACCCGGCGCGCGGACCTGGCAGGAAGACCGGCACGAAGTGGCTGAAGT[A>T]CATGATGGAGTTGCTCAGGGCCGAGCAGAAATAGTAGCCCTCGTTCTCTCGGCGGAAGTC-3'
Protein context (NP_001759.3, residues 114-134): FCSALSNSIM[Tyr124Asn]FSHFVPVFLP

ClinVar aggregate classification (germline): Uncertain significance (1 of 4 stars; one submission).

Conditions:
Susceptibility to respiratory infections associated with CD8alpha chain mutation (IMD116). Also called: IMMUNODEFICIENCY 116; Cd8 deficiency, familial. Identifiers: Orphanet 169085, MedGen C1837065, MONDO:0012161, OMIM 608957.

Allele frequency attached by ClinVar (database versions not stated): TOPMed below 0.00001; gnomAD 0.00001; gnomAD exomes 0.00001.
gnomAD v4.1: 27 of 1,613,920 alleles (0.0017%); highest among the groups gnomAD compares: Admixed American, 0.0033%; no homozygotes.

Submission:

Labcorp Genetics (formerly Invitae), Labcorp
Classification: Uncertain significance for Susceptibility to respiratory infections associated with CD8alpha chain mutation. Last evaluated: 2022-02-24. Review status: criteria provided, single submitter. Criteria: Invitae Variant Classification Sherloc (09022015). Collection method: clinical testing. Allele origin: germline.
Comment: In summary, the available evidence is currently insufficient to determine the role of this variant in disease. Therefore, it has been classified as a Variant of Uncertain Significance. Algorithms developed to predict the effect of missense changes on protein structure and function are either unavailable or do not agree on the potential impact of this missense change (SIFT: "Tolerated"; PolyPhen-2: "Probably Damaging"; Align-GVGD: "Class C0"). ClinVar contains an entry for this variant (Variation ID: 1057353). This variant has not been reported in the literature in individuals affected with CD8A-related conditions. This variant is present in population databases (no rsID available, gnomAD 0.008%). This sequence change replaces tyrosine, which is neutral and polar, with asparagine, which is neutral and polar, at codon 124 of the CD8A protein (p.Tyr124Asn).